The following is an entry in ClinVar:

NM_003227.4(TFR2):c.1192C>G (p.Arg398Gly)

Gene: TFR2 (transferrin receptor 2; minus strand). Cytogenetic location: 7q22.1.
Variant type: single nucleotide variant.
Coding change: c.1192C>G on transcript NM_003227.4 (MANE Select); coding-DNA position 1192, C replaced by G.
Protein change: p.Arg398Gly; replaces arginine 398 with glycine.
Molecular consequence: missense variant.
Genome position (GRCh38, 1-based): chr7:100,630,967, G>C on the plus strand (C>G on the coding strand, the complement: TFR2 is on the minus strand). VCF-style: chr7-100630967-G-C. GRCh37 (hg19) VCF-style: chr7-100228590-G-C.
Other names: c.1192C>G (NM_003227.3); c.679C>G, p.Arg227Gly (NM_001206855.3); short protein forms R398G, R227G.
Identifiers: ClinVar variation 2196287 (VCV002196287.4), dbSNP rs138189378, ClinGen allele CA4386536.

ClinVar aggregate classification (germline): Uncertain significance. Review status: criteria provided, multiple submitters, no conflicts (2 of 4 stars). 2 submissions from 2 submitters: Uncertain significance (2). Last evaluated 2026-01-21.

Conditions:
Hereditary hemochromatosis (HFE). Identifiers: MedGen C0392514, MONDO:0006507. Disease mechanism: loss of function.
Inborn genetic diseases. Identifiers: MedGen C0950123, MeSH D030342.

gnomAD v4.1: 64 of 1,612,776 alleles (0.004%); highest among the groups gnomAD compares: African/African-American, 0.067%; no homozygotes.

Submissions (2):

Labcorp Genetics (formerly Invitae), Labcorp
Classification: Uncertain significance for Hereditary hemochromatosis. Last evaluated: 2026-01-21. Review status: criteria provided, single submitter. Criteria: Invitae Variant Classification Sherloc (09022015). Collection method: clinical testing. Allele origin: germline.
Comment: This sequence change replaces arginine, which is basic and polar, with glycine, which is neutral and non-polar, at codon 398 of the TFR2 protein (p.Arg398Gly). This variant is present in population databases (rs138189378, gnomAD 0.06%). This variant has not been reported in the literature in individuals affected with TFR2-related conditions. ClinVar contains an entry for this variant (Variation ID: 2196287). Invitae Evidence Modeling of protein sequence and biophysical properties (such as structural, functional, and spatial information, amino acid conservation, physicochemical variation, residue mobility, and thermodynamic stability) has been performed for this missense variant. However, the output from this modeling did not meet the statistical confidence thresholds required to predict the impact of this variant on TFR2 protein function. In summary, the available evidence is currently insufficient to determine the role of this variant in disease. Therefore, it has been classified as a Variant of Uncertain Significance.

Ambry Genetics
Classification: Uncertain significance for Inborn genetic diseases. Last evaluated: 2025-10-24. Review status: criteria provided, single submitter. Criteria: Ambry Variant Classification Scheme 2023. Collection method: clinical testing. Allele origin: germline.